The following is an entry in ClinVar:

NM_007250.5(KLF8):c.97C>T (p.Arg33Trp)

Gene: KLF8 (KLF transcription factor 8; plus strand). Cytogenetic location: Xp11.21.
Variant type: single nucleotide variant.
Coding change: c.97C>T on transcript NM_007250.5 (MANE Select); coding-DNA position 97, C replaced by T.
Protein change: p.Arg33Trp; replaces arginine 33 with tryptophan.
Molecular consequence: missense variant. On other transcripts: non-coding transcript variant (2).
Genome position (GRCh38, 1-based): chrX:56,265,195, C>T. VCF-style: chrX-56265195-C-T. GRCh37 (hg19) VCF-style: chrX-56291628-C-T.
Other names: c.97C>T, p.Arg33Trp (NM_001159296.2, NM_001324100.1, NM_001324102.1); c.82C>T, p.Arg28Trp (NM_001324099.1); c.112C>T, p.Arg38Trp (NM_001324104.1); c.88C>T, p.Arg30Trp (NM_001324105.1); c.97C>T (NM_007250.4); short protein forms R28W, R30W, R33W, R38W.
Identifiers: ClinVar variation 3388305 (VCV003388305.15).
Genomic context (GRCh38, chrX:56,265,195, plus strand): 5'-TACTAACACTGACTTATGCATCTCTCATTTGTTTATTTATTTAAGGTCACTGCTTCTGTT[C>T]GGAACAGAGATCCCCCTGAGATAGAATACAGAAGTAATATGACTTCTCCAACACTCCTGG-3'
Protein context (NP_009181.2, residues 23-43): QVFKQVTASV[Arg33Trp]NRDPPEIEYR

ClinVar aggregate classification (germline): Conflicting classifications of pathogenicity. Review status: criteria provided, conflicting classifications (1 of 4 stars). 2 submissions from 2 submitters: Uncertain significance (1); Likely benign (1). Last evaluated 2025-08-23.

gnomAD v4.1: 93 of 1,196,552 alleles (0.0078%); highest among the groups gnomAD compares: Non-Finnish European, 0.0093%; no homozygotes.

Submissions (2):

Ambry Genetics
Classification: Uncertain significance. Last evaluated: 2025-08-23. Review status: criteria provided, single submitter. Criteria: Ambry Variant Classification Scheme 2023. Collection method: clinical testing. Allele origin: germline.

CeGaT Center for Human Genetics Tuebingen
Classification: Likely benign. Last evaluated: 2024-10-01. Review status: criteria provided, single submitter. Criteria: CeGaT Center For Human Genetics Tuebingen Variant Classification Criteria Version 2. Collection method: clinical testing. Allele origin: germline. Affected: yes. Observed: 1 variant allele.
Comment: KLF8: BP4, BS2